The following is an entry in ClinVar:

ClinVar aggregate classification (germline): Pathogenic (0 of 4 stars; one submission).

Conditions:
Fanconi anemia complementation group A (FANCA). Also called: Fanconi anemia, group A; FANCA-Related Fanconi Anemia. Identifiers: Orphanet 84, MedGen C3469521, MONDO:0009215, OMIM 227650.

Allele frequency attached by ClinVar (database versions not stated): gnomAD exomes below 0.00001.
gnomAD v4.1: 1 of 1,613,970 alleles (0.000062%); highest among the groups gnomAD compares: Non-Finnish European, 0.000085%; no homozygotes.

Submission:

Leiden Open Variation Database
Classification: Pathogenic for Fanconi anemia complementation group A. Last evaluated: 2020-02-28. Review status: no assertion criteria provided. Collection method: curation. Allele origin: germline. Affected: yes.
Comment: Curator: Arleen D. Auerbach. Submitter to LOVD: Arleen D. Auerbach.

Literature cited by the submitters: PubMed 10094191.

NM_000135.4(FANCA):c.3829-1G>C

Genes: ZNF276 (zinc finger protein 276; plus strand), FANCA (FA complementation group A; minus strand). Cytogenetic location: 16q24.3.
Variant type: single nucleotide variant.
Coding change: c.3829-1G>C on transcript NM_000135.4 (MANE Select); the canonical splice acceptor site of the intron before coding-DNA position 3829, G replaced by C.
Molecular consequence: splice acceptor variant. On other transcripts: 3 prime UTR variant (2), non-coding transcript variant (4).
Genome position (GRCh38, 1-based): chr16:89,740,100, C>G on the plus strand (G>C on the coding strand, the complement: FANCA is on the minus strand). VCF-style: chr16-89740100-C-G. GRCh37 (hg19) VCF-style: chr16-89806508-C-G.
Other names: c.*1854C>G (NM_001113525.2, NM_152287.4); c.3829-1G>C (NM_001286167.3).
Identifiers: ClinVar variation 974271 (VCV000974271.1), dbSNP rs2062090760, ClinGen allele CA397485115.